The following is an entry in ClinVar:

ClinVar aggregate classification (germline): Uncertain significance. Review status: criteria provided, multiple submitters, no conflicts (2 of 4 stars). 2 submissions from 2 submitters: Uncertain significance (2). Last evaluated 2023-03-21.

Allele frequency attached by ClinVar (database versions not stated): gnomAD exomes below 0.00001.
gnomAD v4.1: 1 of 1,614,082 alleles (0.000062%); highest among the groups gnomAD compares: African/African-American, 0.0013%; no homozygotes.

Submissions (2):

GeneDx
Classification: Uncertain significance. Last evaluated: 2023-03-21. Review status: criteria provided, single submitter. Criteria: GeneDx Variant Classification Process June 2021. Collection method: clinical testing. Allele origin: germline. Affected: yes.
Comment: Not observed at significant frequency in large population cohorts (gnomAD); In silico analysis supports that this missense variant does not alter protein structure/function; Has not been previously published as pathogenic or benign to our knowledge; Located within the transactivation domain (Awa et al., 2011); This variant is associated with the following publications: (PMID: 21224407)

Athena Diagnostics
Classification: Uncertain significance. Last evaluated: 2023-02-08. Review status: criteria provided, single submitter. Criteria: Athena Diagnostics Criteria. Collection method: clinical testing. Allele origin: unknown.
Comment: Available data are insufficient to determine the clinical significance of the variant at this time. This variant has not been reported in large, multi-ethnic general populations. This variant has been seen where an alternate explanation for disease was also identified, suggesting this variant may not cause disease. Computational tools disagree on the variant's effect on normal protein function.

NM_000545.8(HNF1A):c.1197G>C (p.Gln399His)

Gene: HNF1A (HNF1 homeobox A; plus strand). Cytogenetic location: 12q24.31.
Variant type: single nucleotide variant.
Coding change: c.1197G>C on transcript NM_000545.8 (MANE Select); coding-DNA position 1197, G replaced by C.
Protein change: p.Gln399His; replaces glutamine 399 with histidine.
Molecular consequence: missense variant.
Genome position (GRCh38, 1-based): chr12:120,996,630, G>C. VCF-style: chr12-120996630-G-C. GRCh37 (hg19) VCF-style: chr12-121434433-G-C.
Other names: c.1197G>C, p.Gln399His (NM_001306179.2, NM_001406915.1); short protein forms Q399H.
Identifiers: ClinVar variation 2580586 (VCV002580586.2), dbSNP rs1380254570, ClinGen allele CA386969298.
Genomic context (GRCh38, chr12:120,996,630, plus strand): 5'-TGTCAGCACCCTGACAGCACTGCACAGCTTGGAGCAGACATCCCCAGGCCTCAACCAGCA[G>C]CCCCAGAACCTCATCATGGCCTCACTTCCTGGGGTCATGACCATCGGGCCTGGTGAGCCT-3'
Protein context (NP_000536.6, residues 389-409): LEQTSPGLNQ[Gln399His]PQNLIMASLP